The following is an entry in ClinVar:

NM_001042492.3(NF1):c.5866C>G (p.Leu1956Val)

Gene: NF1 (neurofibromin 1; plus strand). Cytogenetic location: 17q11.2.
Variant type: single nucleotide variant.
Coding change: c.5866C>G on transcript NM_001042492.3 (MANE Select); coding-DNA position 5866, C replaced by G.
Protein change: p.Leu1956Val; replaces leucine 1956 with valine.
Molecular consequence: missense variant.
Genome position (GRCh38, 1-based): chr17:31,334,891, C>G. VCF-style: chr17-31334891-C-G. GRCh37 (hg19) VCF-style: chr17-29661909-C-G.
Other names: c.5803C>G, p.Leu1935Val (NM_000267.4); short protein forms L1935V, L1956V.
Identifiers: ClinVar variation 1718201 (VCV001718201.5), dbSNP rs747678243, ClinGen allele CA8487270.

ClinVar aggregate classification (germline): Uncertain significance (1 of 4 stars; one submission).

Conditions:
Neurofibromatosis, type 1 (NF1). Also called: Peripheral type neurofibromatosis; VON RECKLINGHAUSEN DISEASE; NEUROFIBROMATOSIS, TYPE I, SOMATIC; Neurofibromatosis, type I. Identifiers: Orphanet 636, MedGen C0027831, MONDO:0018975, OMIM 162200. Disease mechanism: loss of function.

Allele frequency attached by ClinVar (database versions not stated): ExAC 0.00001; gnomAD exomes 0.00001.
gnomAD v4.1: 7 of 1,613,884 alleles (0.00043%); highest among the groups gnomAD compares: South Asian, 0.0066%; no homozygotes.

Submission:

Labcorp Genetics (formerly Invitae), Labcorp
Classification: Uncertain significance for Neurofibromatosis, type 1. Last evaluated: 2023-10-09. Review status: criteria provided, single submitter. Criteria: Invitae Variant Classification Sherloc (09022015). Collection method: clinical testing. Allele origin: germline.
Comment: This sequence change replaces leucine, which is neutral and non-polar, with valine, which is neutral and non-polar, at codon 1935 of the NF1 protein (p.Leu1935Val). This variant is present in population databases (rs747678243, gnomAD 0.006%). This variant has not been reported in the literature in individuals affected with NF1-related conditions. ClinVar contains an entry for this variant (Variation ID: 1718201). Advanced modeling of protein sequence and biophysical properties (such as structural, functional, and spatial information, amino acid conservation, physicochemical variation, residue mobility, and thermodynamic stability) performed at Invitae indicates that this missense variant is expected to disrupt NF1 protein function. In summary, the available evidence is currently insufficient to determine the role of this variant in disease. Therefore, it has been classified as a Variant of Uncertain Significance.